The following is an entry in ClinVar:

ClinVar aggregate classification (germline): Uncertain significance (1 of 4 stars; one submission).

Conditions:
Mitochondrial trifunctional protein deficiency. Identifiers: Orphanet 746, MedGen C1969443, MONDO:0012172.

Allele frequency attached by ClinVar (database versions not stated): gnomAD exomes below 0.00001.

Submission:

Labcorp Genetics (formerly Invitae), Labcorp
Classification: Uncertain significance for Mitochondrial trifunctional protein deficiency. Last evaluated: 2022-06-15. Review status: criteria provided, single submitter. Criteria: Invitae Variant Classification Sherloc (09022015). Collection method: clinical testing. Allele origin: germline.
Comment: In summary, the available evidence is currently insufficient to determine the role of this variant in disease. Therefore, it has been classified as a Variant of Uncertain Significance. Algorithms developed to predict the effect of missense changes on protein structure and function (SIFT, PolyPhen-2, Align-GVGD) all suggest that this variant is likely to be disruptive. This variant has not been reported in the literature in individuals affected with HADHB-related conditions. This variant is present in population databases (no rsID available, gnomAD 0.01%). This sequence change replaces serine, which is neutral and polar, with proline, which is neutral and non-polar, at codon 218 of the HADHB protein (p.Ser218Pro).

NM_000183.3(HADHB):c.652T>C (p.Ser218Pro)

Gene: HADHB (hydroxyacyl-CoA dehydrogenase trifunctional multienzyme complex subunit beta; plus strand). Cytogenetic location: 2p23.3.
Variant type: single nucleotide variant.
Coding change: c.652T>C on transcript NM_000183.3 (MANE Select); coding-DNA position 652, T replaced by C.
Protein change: p.Ser218Pro; replaces serine 218 with proline.
Molecular consequence: missense variant.
Genome position (GRCh38, 1-based): chr2:26,279,156, T>C. VCF-style: chr2-26279156-T-C. GRCh37 (hg19) VCF-style: chr2-26502024-T-C.
Other names: c.607T>C, p.Ser203Pro (NM_001281512.2); c.586T>C, p.Ser196Pro (NM_001281513.2); short protein forms S196P, S203P, S218P.
Identifiers: ClinVar variation 2127504 (VCV002127504.4), dbSNP rs1260605899, ClinGen allele CA346092875.